The following is an entry in ClinVar:

NM_000285.4(PEPD):c.1463C>G (p.Pro488Arg)

Gene: PEPD (peptidase D; minus strand). Cytogenetic location: 19q13.11.
Variant type: single nucleotide variant.
Coding change: c.1463C>G on transcript NM_000285.4 (MANE Select); coding-DNA position 1463, C replaced by G.
Protein change: p.Pro488Arg; replaces proline 488 with arginine.
Molecular consequence: missense variant.
Genome position (GRCh38, 1-based): chr19:33,387,363, G>C on the plus strand (C>G on the coding strand, the complement: PEPD is on the minus strand). VCF-style: chr19-33387363-G-C. GRCh37 (hg19) VCF-style: chr19-33878269-G-C.
Other names: c.1340C>G, p.Pro447Arg (NM_001166056.2); c.1271C>G, p.Pro424Arg (NM_001166057.2); c.1463C>G (NM_000285.3); short protein forms P424R, P447R, P488R.
Identifiers: ClinVar variation 1483906 (VCV001483906.4), dbSNP rs200567073, ClinGen allele CA9363851.
Genomic context (GRCh38, chr19:33,387,363, plus strand): 5'-CAAGGCCAGGCCCCCAGGTGCGCTGGGATTTCTGGCTGGCTCTACTTGGGGCCAGAGAAG[G>C]GGGTAAAGGCCTTGTCACAGCCTGCCATGCATGCTTCAATCTCTTCCACAGTGCGGGGCA-3'
Protein context (NP_000276.2, residues 478-493): CMAGCDKAFT[Pro488Arg]FSGPK

ClinVar aggregate classification (germline): Uncertain significance. Review status: criteria provided, multiple submitters, no conflicts (2 of 4 stars). 2 submissions from 2 submitters: Uncertain significance (2). Last evaluated 2022-07-25.

Conditions:
Inborn genetic diseases. Identifiers: MedGen C0950123, MeSH D030342.

Allele frequency attached by ClinVar (database versions not stated): gnomAD 0.00003; ESP Exome Variant Server 0.00008; TOPMed 0.00004; ExAC 0.00006; gnomAD exomes 0.00008.
gnomAD v4.1: 45 of 1,613,904 alleles (0.0028%); highest among the groups gnomAD compares: Admixed American, 0.032%; no homozygotes.

Submissions (2):

Labcorp Genetics (formerly Invitae), Labcorp
Classification: Uncertain significance. Last evaluated: 2022-07-25. Review status: criteria provided, single submitter. Criteria: Invitae Variant Classification Sherloc (09022015). Collection method: clinical testing. Allele origin: germline.
Comment: This sequence change replaces proline, which is neutral and non-polar, with arginine, which is basic and polar, at codon 488 of the PEPD protein (p.Pro488Arg). This variant is present in population databases (rs200567073, gnomAD 0.04%). This variant has not been reported in the literature in individuals affected with PEPD-related conditions. ClinVar contains an entry for this variant (Variation ID: 1483906). Algorithms developed to predict the effect of missense changes on protein structure and function are either unavailable or do not agree on the potential impact of this missense change (SIFT: "Tolerated"; PolyPhen-2: "Possibly Damaging"; Align-GVGD: "Class C0"). In summary, the available evidence is currently insufficient to determine the role of this variant in disease. Therefore, it has been classified as a Variant of Uncertain Significance.

Ambry Genetics
Classification: Uncertain significance for Inborn genetic diseases. Last evaluated: 2021-11-25. Review status: criteria provided, single submitter. Criteria: Ambry Variant Classification Scheme 2023. Collection method: clinical testing. Allele origin: germline.